The following is an entry in ClinVar:

ClinVar aggregate classification (germline): Benign (1 of 4 stars; one submission).

Conditions:
Renal hypomagnesemia 5 with ocular involvement. Also called: FHHNC WITH SEVERE OCULAR INVOLVEMENT; HYPOMAGNESEMIA, FAMILIAL, WITH HYPERCALCIURIA, NEPHROCALCINOSIS, AND SEVERE OCULAR INVOLVEMENT; MACULAR COLOBOMA, BILATERAL, WITH HYPERCALCIURIA; HYPOMAGNESEMIA 5, RENAL, WITH OR WITHOUT OCULAR INVOLVEMENT. Identifiers: Orphanet 2196, MedGen C4721891, MONDO:0009548, OMIM 248190.

Allele frequency attached by ClinVar (database versions not stated): gnomAD 0.00009 and 0.00082; TOPMed 0.00024; 1000 Genomes Project 0.00459; 1000 Genomes Project 30x 0.00468.

Submission:

Illumina Laboratory Services, Illumina
Classification: Benign for Renal hypomagnesemia 5 with ocular involvement. Last evaluated: 2018-01-12. Review status: criteria provided, single submitter. Criteria: ICSL Variant Classification Criteria 13 December 2019. Collection method: clinical testing. Allele origin: germline.
Comment: This variant was observed in the ICSL laboratory as part of a predisposition screen in an ostensibly healthy population. It had not been previously curated by ICSL or reported in the Human Gene Mutation Database (HGMD: prior to June 1st, 2018), and was therefore a candidate for classification through an automated scoring system. Utilizing variant allele frequency, disease prevalence and penetrance estimates, and inheritance mode, an automated score was calculated to assess if this variant is too frequent to cause the disease. Based on the score and internal cut-off values, a variant classified as benign is not then subjected to further curation. The score for this variant resulted in a classification of benign for this disease.

NM_148960.3(CLDN19):c.*873A>G

Gene: CLDN19 (claudin 19; minus strand). Cytogenetic location: 1p34.2.
Variant type: single nucleotide variant.
Coding change: c.*873A>G on transcript NM_148960.3 (MANE Select); 873 bases downstream of the stop codon, A replaced by G.
Molecular consequence: 3 prime UTR variant.
Genome position (GRCh38, 1-based): chr1:42,734,213, T>C on the plus strand (A>G on the coding strand, the complement: CLDN19 is on the minus strand). VCF-style: chr1-42734213-T-C. GRCh37 (hg19) VCF-style: chr1-43199884-T-C.
Other names: c.*1655A>G (NM_001123395.2); c.*1549A>G (NM_001185117.2).
Identifiers: ClinVar variation 297326 (VCV000297326.5), dbSNP rs370331996, ClinGen allele CA10611178.